The following is an entry in ClinVar:

NM_001277115.2(DNAH11):c.3384C>T (p.Ser1128=)

Genes: DNAH11 (dynein axonemal heavy chain 11; plus strand), LOC126859961 (BRD4-independent group 4 enhancer GRCh37_chr7:21639662-21640861; plus strand). Cytogenetic location: 7p15.3.
Variant type: single nucleotide variant.
Coding change: c.3384C>T on transcript NM_001277115.2 (MANE Select); coding-DNA position 3384, C replaced by T.
Protein change: p.Ser1128=; no amino-acid change (serine 1128 retained).
Molecular consequence: synonymous variant.
Genome position (GRCh38, 1-based): chr7:21,601,138, C>T. VCF-style: chr7-21601138-C-T. GRCh37 (hg19) VCF-style: chr7-21640756-C-T.
Identifiers: ClinVar variation 221193 (VCV000221193.46), dbSNP rs79955190, ClinGen allele CA349929.

ClinVar aggregate classification (germline): Benign/Likely benign. Review status: criteria provided, multiple submitters, no conflicts (2 of 4 stars). 5 submissions from 5 submitters: Benign (3); Likely benign (2). Last evaluated 2026-02-01.

Conditions:
Primary ciliary dyskinesia. Also called: Ciliary dyskinesia. Identifiers: Orphanet 244, MedGen C0008780, MONDO:0016575, HP:0012265.

Allele frequency attached by ClinVar (database versions not stated): gnomAD exomes 0.00051 and 0.00098; ExAC 0.00111; gnomAD 0.00217 and 0.00235; TOPMed 0.00235; ESP Exome Variant Server 0.00243; 1000 Genomes Project 0.00300; 1000 Genomes Project 30x 0.00437.
gnomAD v4.1: 1,118 of 1,607,528 alleles (0.07%); highest among the groups gnomAD compares: Middle Eastern, 1.1%; 5 homozygotes.

Submissions (5):

Labcorp Genetics (formerly Invitae), Labcorp
Classification: Benign for Primary ciliary dyskinesia. Last evaluated: 2026-02-01. Review status: criteria provided, single submitter. Criteria: Invitae Variant Classification Sherloc (09022015). Collection method: clinical testing. Allele origin: germline.

Blueprint Genetics
Classification: Likely benign. Last evaluated: 2024-11-11. Review status: criteria provided, single submitter. Criteria: ACMG Guidelines, 2015. Collection method: clinical testing. Allele origin: germline.

CeGaT Center for Human Genetics Tuebingen
Classification: Likely benign. Last evaluated: 2023-08-01. Review status: criteria provided, single submitter. Criteria: CeGaT Center For Human Genetics Tuebingen Variant Classification Criteria Version 2. Collection method: clinical testing. Allele origin: germline. Affected: yes. Observed: 1 variant allele.
Comment: DNAH11: BP4, BP7

Laboratory for Molecular Medicine, Mass General Brigham Personalized Medicine
Classification: Benign. Last evaluated: 2013-02-21. Review status: criteria provided, single submitter. Criteria: LMM Criteria. Collection method: clinical testing. Allele origin: germline. Observed: 1 variant allele.
Comment: Ser1128Ser in exon 17 of DNAH11: This variant is not expected to have clinical s ignificance because it does not alter an amino acid residue and is not located w ithin the splice consensus sequence. It has been identified in 0.6% (24/3712) of African American chromosomes from a broad population by the NHLBI Exome Sequenc ing Project (dbSNP rs79955190).

PreventionGenetics, part of Exact Sciences
Classification: Benign. Review status: criteria provided, single submitter. Criteria: ACMG Guidelines, 2015. Collection method: clinical testing. Allele origin: germline.